The following is an entry in ClinVar:

NM_172362.3(KCNH1):c.2533G>A (p.Gly845Arg)

Gene: KCNH1 (potassium voltage-gated channel subfamily H member 1; minus strand). Cytogenetic location: 1q32.2.
Variant type: single nucleotide variant.
Coding change: c.2533G>A on transcript NM_172362.3 (MANE Select); coding-DNA position 2533, G replaced by A.
Protein change: p.Gly845Arg; replaces glycine 845 with arginine.
Molecular consequence: missense variant.
Genome position (GRCh38, 1-based): chr1:210,683,718, C>T on the plus strand (G>A on the coding strand, the complement: KCNH1 is on the minus strand). VCF-style: chr1-210683718-C-T. GRCh37 (hg19) VCF-style: chr1-210857060-C-T.
Other names: c.2452G>A, p.Gly818Arg (NM_002238.4); c.2533G>A (NM_172362.2); short protein forms G818R, G845R.
Identifiers: ClinVar variation 1649447 (VCV001649447.10), dbSNP rs141442681, ClinGen allele CA1379637.

ClinVar aggregate classification (germline): Conflicting classifications of pathogenicity. Review status: criteria provided, conflicting classifications (1 of 4 stars). 3 submissions from 3 submitters: Uncertain significance (1); Benign (1); Likely benign (1). Last evaluated 2025-11-17.

Conditions:
Inborn genetic diseases. Identifiers: MedGen C0950123, MeSH D030342.

Allele frequency attached by ClinVar (database versions not stated): gnomAD exomes 0.00003 and 0.00004; TOPMed 0.00003; gnomAD 0.00004 and 0.00005; ExAC 0.00005; ESP Exome Variant Server 0.00015.
gnomAD v4.1: 46 of 1,614,072 alleles (0.0028%); highest among the groups gnomAD compares: East Asian, 0.0045%; no homozygotes.

Submissions (3):

Women's Health and Genetics/Laboratory Corporation of America, LabCorp
Classification: Uncertain significance. Last evaluated: 2025-11-17. Review status: criteria provided, single submitter. Criteria: LabCorp Variant Classification Summary - May 2015. Collection method: clinical testing. Allele origin: germline.
Comment: Variant summary: KCNH1 c.2533G>A (p.Gly845Arg) results in a non-conservative amino acid change in the encoded protein sequence. Algorithms developed to predict the effect of missense changes on protein structure and function are either unavailable or do not agree on the potential impact of this missense change. The variant allele was found at a frequency of 3.6e-05 in 251182 control chromosomes. The available data on variant occurrences in the general population are insufficient to allow any conclusion about variant significance. To our knowledge, no occurrence of c.2533G>A in individuals affected with KCNH1-related conditions and no experimental evidence demonstrating its impact on protein function have been reported. ClinVar contains an entry for this variant (Variation ID: 1649447). Based on the evidence outlined above, the variant was classified as uncertain significance.

Ambry Genetics
Classification: Likely benign for Inborn genetic diseases. Last evaluated: 2024-11-11. Review status: criteria provided, single submitter. Criteria: Ambry Variant Classification Scheme 2023. Collection method: clinical testing. Allele origin: germline.

Labcorp Genetics (formerly Invitae), Labcorp
Classification: Benign. Last evaluated: 2024-04-05. Review status: criteria provided, single submitter. Criteria: Invitae Variant Classification Sherloc (09022015). Collection method: clinical testing. Allele origin: germline.